The following is an entry in ClinVar:

NM_001377458.1(CLCC1):c.339+5G>C

Gene: CLCC1 (chloride channel CLIC like 1; minus strand). Cytogenetic location: 1p13.3.
Variant type: single nucleotide variant.
Coding change: c.339+5G>C on transcript NM_001377458.1 (MANE Select); 5 bases into the intron after coding-DNA position 339, G replaced by C.
Molecular consequence: intron variant.
Genome position (GRCh38, 1-based): chr1:108,947,606, C>G on the plus strand (G>C on the coding strand, the complement: CLCC1 is on the minus strand). VCF-style: chr1-108947606-C-G. GRCh37 (hg19) VCF-style: chr1-109490228-C-G.
Other names: c.339+5G>C (NM_001377464.1, NM_001377462.1, NM_001377467.1 and 11 more transcripts); c.237+5G>C (NM_001377469.1); c.-124+5G>C (NM_001377470.1).
Identifiers: ClinVar variation 2850319 (VCV002850319.3), dbSNP rs2524228797, ClinGen allele CA2739275173.

ClinVar aggregate classification (germline): Uncertain significance (1 of 4 stars; one submission).

Submission:

Labcorp Genetics (formerly Invitae), Labcorp
Classification: Uncertain significance. Last evaluated: 2023-03-27. Review status: criteria provided, single submitter. Criteria: Invitae Variant Classification Sherloc (09022015). Collection method: clinical testing. Allele origin: germline.
Comment: Variants that disrupt the consensus splice site are a relatively common cause of aberrant splicing (PMID: 17576681, 9536098). Algorithms developed to predict the effect of sequence changes on RNA splicing suggest that this variant may disrupt the consensus splice site. In summary, the available evidence is currently insufficient to determine the role of this variant in disease. Therefore, it has been classified as a Variant of Uncertain Significance. This variant has not been reported in the literature in individuals affected with CLCC1-related conditions. This variant is not present in population databases (gnomAD no frequency). This sequence change falls in intron 4 of the CLCC1 gene. It does not directly change the encoded amino acid sequence of the CLCC1 protein. It affects a nucleotide within the consensus splice site.

Literature cited by the submitters: PubMed 17576681; PubMed 9536098.